The following is an entry in ClinVar:

NM_000455.5(STK11):c.472T>C (p.Cys158Arg)

Gene: STK11 (serine/threonine kinase 11; plus strand). Cytogenetic location: 19p13.3.
Variant type: single nucleotide variant.
Coding change: c.472T>C on transcript NM_000455.5 (MANE Select); coding-DNA position 472, T replaced by C.
Protein change: p.Cys158Arg; replaces cysteine 158 with arginine.
Molecular consequence: missense variant.
Genome position (GRCh38, 1-based): chr19:1,220,380, T>C. VCF-style: chr19-1220380-T-C. GRCh37 (hg19) VCF-style: chr19-1220379-T-C.
Other names: short protein forms C158R.
Identifiers: ClinVar variation 1046049 (VCV001046049.14), dbSNP rs1431247846, ClinGen allele CA402948795.

ClinVar aggregate classification (germline): Uncertain significance. Review status: criteria provided, multiple submitters, no conflicts (2 of 4 stars). 4 submissions from 4 submitters: Uncertain significance (4). Last evaluated 2024-05-04.

Conditions:
Hereditary cancer-predisposing syndrome. Also called: Hereditary neoplastic syndrome; Neoplastic Syndromes, Hereditary; Tumor predisposition; Hereditary Cancer Syndrome. Identifiers: Orphanet 140162, MedGen C0027672, MeSH D009386, MONDO:0015356.
Peutz-Jeghers syndrome (PJS). Also called: POLYPOSIS, HAMARTOMATOUS INTESTINAL; POLYPS-AND-SPOTS SYNDROME; Peutz-Jeghers polyposis; Periorificial lentiginosis syndrome. Identifiers: Orphanet 2869, MedGen C0031269, MeSH D010580, MONDO:0008280, OMIM 175200.

Allele frequency attached by ClinVar (database versions not stated): gnomAD exomes below 0.00001 and 0.00001.
gnomAD v4.1: 8 of 1,601,754 alleles (0.0005%); highest among the groups gnomAD compares: Non-Finnish European, 0.00068%; no homozygotes.

Submissions (4):

Ambry Genetics
Classification: Uncertain significance for Hereditary cancer-predisposing syndrome. Last evaluated: 2024-05-04. Review status: criteria provided, single submitter. Criteria: Ambry Variant Classification Scheme 2023. Collection method: clinical testing. Allele origin: germline.
Comment: The p.C158R variant (also known as c.472T>C), located in coding exon 4 of the STK11 gene, results from a T to C substitution at nucleotide position 472. The cysteine at codon 158 is replaced by arginine, an amino acid with highly dissimilar properties. This amino acid position is conserved. In addition, this alteration is predicted to be tolerated by in silico analysis. Based on the available evidence, the clinical significance of this variant remains unclear.

Genome-Nilou Lab
Classification: Uncertain significance for Peutz-Jeghers syndrome. Last evaluated: 2021-07-15. Review status: criteria provided, single submitter. Criteria: ACMG Guidelines, 2015. Collection method: clinical testing. Allele origin: germline. Affected: no.

Labcorp Genetics (formerly Invitae), Labcorp
Classification: Uncertain significance for Peutz-Jeghers syndrome. Last evaluated: 2021-03-19. Review status: criteria provided, single submitter. Criteria: Invitae Variant Classification Sherloc (09022015). Collection method: clinical testing. Allele origin: germline.
Comment: This sequence change replaces cysteine with arginine at codon 158 of the STK11 protein (p.Cys158Arg). The cysteine residue is moderately conserved and there is a large physicochemical difference between cysteine and arginine. In summary, the available evidence is currently insufficient to determine the role of this variant in disease. Therefore, it has been classified as a Variant of Uncertain Significance. Algorithms developed to predict the effect of missense changes on protein structure and function output the following: SIFT: "Tolerated"; PolyPhen-2: "Benign"; Align-GVGD: "Class C0". The arginine amino acid residue is found in multiple mammalian species, suggesting that this missense change does not adversely affect protein function. These predictions have not been confirmed by published functional studies and their clinical significance is uncertain. This variant has not been reported in the literature in individuals with STK11-related conditions. This variant is not present in population databases (ExAC no frequency).

GeneDx
Classification: Uncertain significance. Last evaluated: 2020-11-06. Review status: criteria provided, single submitter. Criteria: GeneDx Variant Classification Process June 2021. Collection method: clinical testing. Allele origin: germline. Affected: yes.
Comment: Not observed in large population cohorts (Lek et al., 2016); In silico analysis supports that this missense variant has a deleterious effect on protein structure/function; Has not been previously published as pathogenic or benign to our knowledge